The following is an entry in ClinVar:

ClinVar aggregate classification (germline): Uncertain significance. Review status: criteria provided, multiple submitters, no conflicts (2 of 4 stars). 3 submissions from 3 submitters: Uncertain significance (3). Last evaluated 2026-01-19.

Conditions:
Inborn genetic diseases. Identifiers: MedGen C0950123, MeSH D030342.

Submissions (3):

Labcorp Genetics (formerly Invitae), Labcorp
Classification: Uncertain significance. Last evaluated: 2026-01-19. Review status: criteria provided, single submitter. Criteria: Invitae Variant Classification Sherloc (09022015). Collection method: clinical testing. Allele origin: germline.
Comment: This sequence change replaces arginine, which is basic and polar, with leucine, which is neutral and non-polar, at codon 7 of the USH1G protein (p.Arg7Leu). The frequency data for this variant in the population databases is considered unreliable, as metrics indicate poor data quality at this position in the gnomAD database. This variant has not been reported in the literature in individuals affected with USH1G-related conditions. ClinVar contains an entry for this variant (Variation ID: 1513159). Invitae Evidence Modeling of protein sequence and biophysical properties (such as structural, functional, and spatial information, amino acid conservation, physicochemical variation, residue mobility, and thermodynamic stability) has been performed for this missense variant. However, the output from this modeling did not meet the statistical confidence thresholds required to predict the impact of this variant on USH1G protein function. In summary, the available evidence is currently insufficient to determine the role of this variant in disease. Therefore, it has been classified as a Variant of Uncertain Significance.

Ambry Genetics
Classification: Uncertain significance for Inborn genetic diseases. Last evaluated: 2025-10-30. Review status: criteria provided, single submitter. Criteria: Ambry Variant Classification Scheme 2023. Collection method: clinical testing. Allele origin: germline.

Blueprint Genetics
Classification: Uncertain significance. Last evaluated: 2022-06-22. Review status: criteria provided, single submitter. Criteria: ACMG Guidelines, 2015. Collection method: clinical testing. Allele origin: germline.

NM_173477.5(USH1G):c.20G>T (p.Arg7Leu)

Gene: USH1G (USH1 protein network component sans; minus strand). Cytogenetic location: 17q25.1.
Variant type: single nucleotide variant.
Coding change: c.20G>T on transcript NM_173477.5 (MANE Select); coding-DNA position 20, G replaced by T.
Protein change: p.Arg7Leu; replaces arginine 7 with leucine.
Molecular consequence: missense variant. On other transcripts: 5 prime UTR variant (1).
Genome position (GRCh38, 1-based): chr17:74,923,054, C>A on the plus strand (G>T on the coding strand, the complement: USH1G is on the minus strand). VCF-style: chr17-74923054-C-A. GRCh37 (hg19) VCF-style: chr17-72919149-C-A.
Other names: c.-237G>T (NM_001282489.3); c.20G>T (NM_173477.2); short protein forms R7L.
Identifiers: ClinVar variation 1513159 (VCV001513159.10), dbSNP rs1369719883, ClinGen allele CA400968629.